The following is an entry in ClinVar:

NM_022436.3(ABCG5):c.223T>C (p.Tyr75His)

Gene: ABCG5 (ATP binding cassette subfamily G member 5; minus strand). Cytogenetic location: 2p21.
Variant type: single nucleotide variant.
Coding change: c.223T>C on transcript NM_022436.3 (MANE Select); coding-DNA position 223, T replaced by C.
Protein change: p.Tyr75His; replaces tyrosine 75 with histidine.
Molecular consequence: missense variant.
Genome position (GRCh38, 1-based): chr2:43,837,876, A>G on the plus strand (T>C on the coding strand, the complement: ABCG5 is on the minus strand). VCF-style: chr2-43837876-A-G. GRCh37 (hg19) VCF-style: chr2-44065015-A-G.
Other names: short protein forms Y75H.
Identifiers: ClinVar variation 4613334 (VCV004613334.2).
Genomic context (GRCh38, chr2:43,837,876, plus strand): 5'-CCTCCTTCCCAAGCTTACCTGAGCTTCCTAGGATGCACATGATCTGCCCGCTCTCCACGT[A>G]CAAGGAGACATCTTTGAGGATCTGCCTGGTCCACTGCTGCCGGCAAGATGTGATGTCCCA-3'
Protein context (NP_071881.1, residues 65-85): TRQILKDVSL[Tyr75His]VESGQIMCIL

ClinVar aggregate classification (germline): Uncertain significance. Review status: criteria provided, multiple submitters, no conflicts (2 of 4 stars). 2 submissions from 2 submitters: Uncertain significance (2). Last evaluated 2025-12-07.

Conditions:
ABCG5-related disorder. Also called: ABCG5-related condition.
Cardiovascular phenotype. Identifiers: MedGen CN230736.

gnomAD v4.1: 16 of 1,614,110 alleles (0.00099%); highest among the groups gnomAD compares: Non-Finnish European, 0.0014%; no homozygotes.

Submissions (2):

Ambry Genetics
Classification: Uncertain significance for Cardiovascular phenotype. Last evaluated: 2025-12-07. Review status: criteria provided, single submitter. Criteria: Ambry Variant Classification Scheme 2023. Collection method: clinical testing. Allele origin: germline.
Comment: The p.Y75H variant (also known as c.223T>C), located in coding exon 2 of the ABCG5 gene, results from a T to C substitution at nucleotide position 223. The tyrosine at codon 75 is replaced by histidine, an amino acid with similar properties. This amino acid position is conserved. In addition, this alteration is predicted to be tolerated by in silico analysis. Based on the available evidence, the clinical significance of this variant remains unclear.

PreventionGenetics, part of Exact Sciences
Classification: Uncertain significance for ABCG5-related condition. Last evaluated: 2024-12-05. Review status: criteria provided, single submitter. Criteria: ACMG Guidelines, 2015. Collection method: clinical testing. Allele origin: germline.
Comment: The ABCG5 c.223T>C variant is predicted to result in the amino acid substitution p.Tyr75His. To our knowledge, this variant has not been reported in the literature. This variant is reported in 0.00088% of alleles in individuals of European (Non-Finnish) descent in gnomAD. At this time, the clinical significance of this variant is uncertain due to the absence of conclusive functional and genetic evidence.